The following is an entry in ClinVar:

NM_006218.4(PIK3CA):c.1747A>G (p.Met583Val)

Gene: PIK3CA (phosphatidylinositol-4,5-bisphosphate 3-kinase catalytic subunit alpha; plus strand). Cytogenetic location: 3q26.32.
Variant type: single nucleotide variant.
Coding change: c.1747A>G on transcript NM_006218.4 (MANE Select); coding-DNA position 1747, A replaced by G.
Protein change: p.Met583Val; replaces methionine 583 with valine.
Molecular consequence: missense variant.
Genome position (GRCh38, 1-based): chr3:179,219,571, A>G. VCF-style: chr3-179219571-A-G. GRCh37 (hg19) VCF-style: chr3-178937359-A-G.
Other names: c.1747A>G (LRG_310t1); short protein forms M583V.
Identifiers: ClinVar variation 456533 (VCV000456533.12), dbSNP rs1553823608, ClinGen allele CA355265758.

ClinVar aggregate classification (germline): Uncertain significance. Review status: criteria provided, multiple submitters, no conflicts (2 of 4 stars). 2 submissions from 2 submitters: Uncertain significance (2). Last evaluated 2023-10-21.

Conditions:
Inborn genetic diseases. Identifiers: MedGen C0950123, MeSH D030342.
Cowden syndrome (CS). Also called: Cowden's disease; Cowden's syndrome; Cowden disease. Identifiers: Orphanet 201, MedGen C0018553, MONDO:0016063. Disease mechanism: gain of function.

Allele frequency attached by ClinVar (database versions not stated): gnomAD exomes below 0.00001.
gnomAD v4.1: 1 of 1,368,836 alleles (0.000073%); highest among the groups gnomAD compares: Non-Finnish European, 0.0001%; no homozygotes.

Submissions (2):

Ambry Genetics
Classification: Uncertain significance for Inborn genetic diseases. Last evaluated: 2023-10-21. Review status: criteria provided, single submitter. Criteria: Ambry Variant Classification Scheme 2023. Collection method: clinical testing. Allele origin: germline.
Comment: The p.M583V variant (also known as c.1747A>G) is located in coding exon 11 of the PIK3CA gene. The methionine at codon 583 is replaced by valine, an amino acid with highly similar properties. This change occurs in the first base pair of coding exon 11. This amino acid position is conserved. In addition, this alteration is predicted to be deleterious by in silico analysis. Since supporting evidence is limited at this time, the clinical significance of this alteration remains unclear.

Labcorp Genetics (formerly Invitae), Labcorp
Classification: Uncertain significance for Cowden syndrome. Last evaluated: 2022-07-12. Review status: criteria provided, single submitter. Criteria: Invitae Variant Classification Sherloc (09022015). Collection method: clinical testing. Allele origin: germline.
Comment: Algorithms developed to predict the effect of sequence changes on RNA splicing suggest that this variant may create or strengthen a splice site. In summary, the available evidence is currently insufficient to determine the role of this variant in disease. Therefore, it has been classified as a Variant of Uncertain Significance. Algorithms developed to predict the effect of missense changes on protein structure and function (SIFT, PolyPhen-2, Align-GVGD) all suggest that this variant is likely to be tolerated. This sequence change replaces methionine, which is neutral and non-polar, with valine, which is neutral and non-polar, at codon 583 of the PIK3CA protein (p.Met583Val). This variant is not present in population databases (gnomAD no frequency). This variant has not been reported in the literature in individuals affected with PIK3CA-related conditions. ClinVar contains an entry for this variant (Variation ID: 456533).